The following is an entry in ClinVar:

NM_002880.4(RAF1):c.-26-220C>G

Gene: RAF1 (Raf-1 proto-oncogene, serine/threonine kinase; minus strand). Cytogenetic location: 3p25.2.
Variant type: single nucleotide variant.
Coding change: c.-26-220C>G on transcript NM_002880.4 (MANE Select); 220 bases into the intron before 26 bases upstream of the start codon, C replaced by G.
Molecular consequence: intron variant.
Genome position (GRCh38, 1-based): chr3:12,618,967, G>C on the plus strand (C>G on the coding strand, the complement: RAF1 is on the minus strand). VCF-style: chr3-12618967-G-C. GRCh37 (hg19) VCF-style: chr3-12660466-G-C.
Other names: c.-156-220C>G (NM_001354695.3, NM_001354692.3, NM_001354694.3 and 1 more transcripts); c.-26-220C>G (NM_001354693.3, NM_001354689.3, NM_001354690.3).
Identifiers: ClinVar variation 561522 (VCV000561522.1), dbSNP rs28462331, ClinGen allele CA11351607.

ClinVar aggregate classification (germline): Benign (1 of 4 stars; one submission).

Allele frequency attached by ClinVar (database versions not stated): 1000 Genomes Project 0.19449; 1000 Genomes Project 30x 0.20112; TOPMed 0.23558.

Submission:

GeneDx
Classification: Benign. Last evaluated: 2018-06-14. Review status: criteria provided, single submitter. Criteria: GeneDx Variant Classification (06012015). Collection method: clinical testing. Allele origin: germline. Affected: yes.
Comment: This variant is considered likely benign or benign based on one or more of the following criteria: it is a conservative change, it occurs at a poorly conserved position in the protein, it is predicted to be benign by multiple in silico algorithms, and/or has population frequency not consistent with disease.